The following is an entry in ClinVar:

NM_000264.5(PTCH1):c.925C>G (p.Pro309Ala)

Gene: PTCH1 (patched 1; minus strand). Cytogenetic location: 9q22.32.
Variant type: single nucleotide variant.
Coding change: c.925C>G on transcript NM_000264.5 (MANE Select); coding-DNA position 925, C replaced by G.
Protein change: p.Pro309Ala; replaces proline 309 with alanine.
Molecular consequence: missense variant. On other transcripts: non-coding transcript variant (1).
Genome position (GRCh38, 1-based): chr9:95,480,410, G>C on the plus strand (C>G on the coding strand, the complement: PTCH1 is on the minus strand). VCF-style: chr9-95480410-G-C. GRCh37 (hg19) VCF-style: chr9-98242692-G-C.
Other names: c.727C>G, p.Pro243Ala (NM_001083602.3); c.922C>G, p.Pro308Ala (NM_001083603.3); c.472C>G, p.Pro158Ala (NM_001083604.3, NM_001083605.3, NM_001083606.3 and 1 more transcripts); c.925C>G, p.Pro309Ala (NM_001354918.2); short protein forms P158A, P243A, P309A, P308A.
Identifiers: ClinVar variation 3939935 (VCV003939935.1).

ClinVar aggregate classification (germline): Uncertain significance (1 of 4 stars; one submission).

Conditions:
Hereditary cancer-predisposing syndrome. Also called: Tumor predisposition; Hereditary neoplastic syndrome; Hereditary Cancer Syndrome; Neoplastic Syndromes, Hereditary. Identifiers: Orphanet 140162, MedGen C0027672, MeSH D009386, MONDO:0015356.

gnomAD v4.1: 1 of 1,610,676 alleles (0.000062%); highest among the groups gnomAD compares: South Asian, 0.0011%; no homozygotes.

Submission:

Ambry Genetics
Classification: Uncertain significance for Hereditary cancer-predisposing syndrome. Last evaluated: 2025-03-27. Review status: criteria provided, single submitter. Criteria: Ambry Variant Classification Scheme 2023. Collection method: clinical testing. Allele origin: germline.
Comment: The p.P309A variant (also known as c.925C>G), located in coding exon 6 of the PTCH1 gene, results from a C to G substitution at nucleotide position 925. The proline at codon 309 is replaced by alanine, an amino acid with highly similar properties. This amino acid position is conserved. In addition, this alteration is predicted to be deleterious by in silico analysis. Based on the available evidence, the clinical significance of this variant remains unclear.